The following is an entry in ClinVar:

ClinVar aggregate classification (germline): Likely benign. Review status: criteria provided, multiple submitters, no conflicts (2 of 4 stars). 2 submissions from 2 submitters: Likely benign (2). Last evaluated 2025-12-22.

Conditions:
CEP290-related disorder. Also called: CEP290-related condition; CEP290-related disorders. Identifiers: MedGen CN239314.
Meckel-Gruber syndrome. Also called: DYSENCEPHALIA SPLANCHNOCYSTICA; Dysencephalia splachnocystica; GRUBER SYNDROME. Identifiers: Orphanet 564, MedGen C0265215, MONDO:0018921.
Joubert syndrome. Also called: Familial aplasia of the vermis; JOUBERT-BOLTSHAUSER SYNDROME. Identifiers: Orphanet 475, MedGen C5979921, MONDO:0018772.
Nephronophthisis. Also called: Juvenile Nephronophthisis. Identifiers: Orphanet 655, MedGen C0687120, MONDO:0019005, HP:0000090.

Allele frequency attached by ClinVar (database versions not stated): gnomAD 0.00001; gnomAD exomes 0.00001; TOPMed 0.00001.
gnomAD v4.1: 16 of 1,572,536 alleles (0.001%); highest among the groups gnomAD compares: Non-Finnish European, 0.0014%; no homozygotes.

Submissions (2):

PreventionGenetics, part of Exact Sciences
Classification: Likely benign for CEP290-related condition. Last evaluated: 2025-12-22. Review status: criteria provided, single submitter. Criteria: ACMG Guidelines, 2015. Collection method: clinical testing. Allele origin: germline.
Comment: This variant is classified as likely benign based on ACMG/AMP sequence variant interpretation guidelines (Richards et al. 2015 PMID: 25741868, with internal and published modifications).

Labcorp Genetics (formerly Invitae), Labcorp
Classification: Likely benign for Joubert syndrome; Meckel-Gruber syndrome; Nephronophthisis. Last evaluated: 2025-05-04. Review status: criteria provided, single submitter. Criteria: Invitae Variant Classification Sherloc (09022015). Collection method: clinical testing. Allele origin: germline.

NM_025114.4(CEP290):c.496-4G>A

Gene: CEP290 (centrosomal protein 290; minus strand). Cytogenetic location: 12q21.32.
Variant type: single nucleotide variant.
Coding change: c.496-4G>A on transcript NM_025114.4 (MANE Select); 4 bases into the intron before coding-DNA position 496, G replaced by A.
Molecular consequence: intron variant.
Genome position (GRCh38, 1-based): chr12:88,130,569, C>T on the plus strand (G>A on the coding strand, the complement: CEP290 is on the minus strand). VCF-style: chr12-88130569-C-T. GRCh37 (hg19) VCF-style: chr12-88524346-C-T.
Other names: c.496-4G>A (NM_025114.3).
Identifiers: ClinVar variation 1120375 (VCV001120375.10), dbSNP rs1263086196, ClinGen allele CA606675852.